The following is an entry in ClinVar:

NM_032603.5(LOXL3):c.340T>G (p.Cys114Gly)

Genes: DOK1 (docking protein 1; plus strand), LOXL3 (lysyl oxidase like 3; minus strand). Cytogenetic location: 2p13.1.
Variant type: single nucleotide variant.
Coding change: c.340T>G on transcript NM_032603.5 (MANE Select); coding-DNA position 340, T replaced by G.
Protein change: p.Cys114Gly; replaces cysteine 114 with glycine.
Molecular consequence: missense variant. On other transcripts: intron variant (1).
Genome position (GRCh38, 1-based): chr2:74,550,322, A>C on the plus strand (T>G on the coding strand, the complement: LOXL3 is on the minus strand). VCF-style: chr2-74550322-A-C. GRCh37 (hg19) VCF-style: chr2-74777449-A-C.
Other names: c.340T>G, p.Cys114Gly (NM_001289164.3); c.-358+1150A>C (NM_001197260.2); short protein forms C114G.
Identifiers: ClinVar variation 2504234 (VCV002504234.1), dbSNP rs2530026356, ClinGen allele CA347395866.

ClinVar aggregate classification (germline): Uncertain significance (1 of 4 stars; one submission).

Submission:

GeneDx
Classification: Uncertain significance. Last evaluated: 2022-11-28. Review status: criteria provided, single submitter. Criteria: GeneDx Variant Classification Process June 2021. Collection method: clinical testing. Allele origin: germline. Affected: yes.
Comment: Not observed at significant frequency in large population cohorts (gnomAD); In silico analysis supports that this missense variant has a deleterious effect on protein structure/function; Has not been previously published as pathogenic or benign to our knowledge